The following is an entry in ClinVar:

NM_001006658.3(CR2):c.1458T>C (p.Phe486=)

Gene: CR2 (complement C3d receptor 2; plus strand). Cytogenetic location: 1q32.2.
Variant type: single nucleotide variant.
Coding change: c.1458T>C on transcript NM_001006658.3 (MANE Select); coding-DNA position 1458, T replaced by C.
Protein change: p.Phe486=; no amino-acid change (phenylalanine 486 retained).
Molecular consequence: synonymous variant.
Genome position (GRCh38, 1-based): chr1:207,471,052, T>C. VCF-style: chr1-207471052-T-C. GRCh37 (hg19) VCF-style: chr1-207644397-T-C.
Other names: c.1458T>C, p.Phe486= (NM_001877.5).
Identifiers: ClinVar variation 473094 (VCV000473094.47), dbSNP rs147378770, ClinGen allele CA1368722.

ClinVar aggregate classification (germline): Likely benign. Review status: criteria provided, multiple submitters, no conflicts (2 of 4 stars). 7 submissions from 7 submitters: Likely benign (5). 2 of the submissions do not count toward it. Last evaluated 2026-05-01.

Conditions:
Immunodeficiency, common variable, 7. Identifiers: Orphanet 1572, Orphanet 696894, MedGen C3542922, MONDO:0013862, OMIM 614699.

Allele frequency attached by ClinVar (database versions not stated): gnomAD 0.00087 and 0.00115; TOPMed 0.00102; ESP Exome Variant Server 0.00108; ExAC 0.00079; gnomAD exomes 0.00083.

Submissions (7):

CeGaT Center for Human Genetics Tuebingen
Classification: Likely benign. Last evaluated: 2026-05-01. Review status: criteria provided, single submitter. Criteria: CeGaT Center For Human Genetics Tuebingen Variant Classification Criteria Version 2. Collection method: clinical testing. Allele origin: germline. Affected: yes. Observed: 4 variant alleles.
Comment: CR2: BP4, BP7

Labcorp Genetics (formerly Invitae), Labcorp
Classification: Likely benign for Immunodeficiency, common variable, 7. Last evaluated: 2026-02-01. Review status: criteria provided, single submitter. Criteria: Invitae Variant Classification Sherloc (09022015). Collection method: clinical testing. Allele origin: germline.

Blueprint Genetics
Classification: Likely benign. Last evaluated: 2024-11-18. Review status: criteria provided, single submitter. Criteria: ACMG Guidelines, 2015. Collection method: clinical testing. Allele origin: germline.

ARUP Laboratories, Molecular Genetics and Genomics, ARUP Laboratories
Classification: Likely benign. Last evaluated: 2024-10-30. Review status: criteria provided, single submitter. Criteria: ARUP Molecular Germline Variant Investigation Process 2024. Collection method: clinical testing. Allele origin: germline.

Genome-Nilou Lab
Classification: Likely benign for Immunodeficiency, common variable, 7. Last evaluated: 2023-04-11. Review status: criteria provided, single submitter. Criteria: ACMG Guidelines, 2015. Collection method: clinical testing. Allele origin: germline. Affected: no.

Clinical Genetics DNA and cytogenetics Diagnostics Lab, Erasmus MC, Erasmus Medical Center
Classification: Likely benign. Review status: no assertion criteria provided. Collection method: clinical testing. Allele origin: germline. Affected: yes. Study: VKGL Data-share Consensus. Not counted in ClinVar's aggregate classification.

Genome Diagnostics Laboratory, University Medical Center Utrecht
Classification: Likely benign. Review status: no assertion criteria provided. Collection method: clinical testing. Allele origin: germline. Affected: yes. Study: VKGL Data-share Consensus. Not counted in ClinVar's aggregate classification.